The following is an entry in ClinVar:

ClinVar aggregate classification (germline): Uncertain significance (1 of 4 stars; one submission).

Allele frequency attached by ClinVar (database versions not stated): TOPMed below 0.00001.

Submission:

Labcorp Genetics (formerly Invitae), Labcorp
Classification: Uncertain significance. Last evaluated: 2025-04-16. Review status: criteria provided, single submitter. Criteria: Invitae Variant Classification Sherloc (09022015). Collection method: clinical testing. Allele origin: germline.
Comment: This sequence change replaces proline, which is neutral and non-polar, with leucine, which is neutral and non-polar, at codon 579 of the SEMA4A protein (p.Pro579Leu). This variant is not present in population databases (gnomAD no frequency). This variant has not been reported in the literature in individuals affected with SEMA4A-related conditions. ClinVar contains an entry for this variant (Variation ID: 2715589). Invitae Evidence Modeling of protein sequence and biophysical properties (such as structural, functional, and spatial information, amino acid conservation, physicochemical variation, residue mobility, and thermodynamic stability) indicates that this missense variant is not expected to disrupt SEMA4A protein function with a negative predictive value of 80%. In summary, the available evidence is currently insufficient to determine the role of this variant in disease. Therefore, it has been classified as a Variant of Uncertain Significance.

NM_022367.4(SEMA4A):c.1736C>T (p.Pro579Leu)

Gene: SEMA4A (semaphorin 4A; plus strand). Cytogenetic location: 1q22.
Variant type: single nucleotide variant.
Coding change: c.1736C>T on transcript NM_022367.4 (MANE Select); coding-DNA position 1736, C replaced by T.
Protein change: p.Pro579Leu; replaces proline 579 with leucine.
Molecular consequence: missense variant.
Genome position (GRCh38, 1-based): chr1:156,176,447, C>T. VCF-style: chr1-156176447-C-T. GRCh37 (hg19) VCF-style: chr1-156146238-C-T.
Other names: c.1736C>T, p.Pro579Leu (NM_001370567.1, NM_001193300.2, NM_001193301.2); c.1340C>T, p.Pro447Leu (NM_001193302.2); c.1439C>T, p.Pro480Leu (NM_001370568.1); c.1229C>T, p.Pro410Leu (NM_001370569.1, NM_001370571.1); short protein forms P447L, P410L, P480L, P579L.
Identifiers: ClinVar variation 2715589 (VCV002715589.3), dbSNP rs1655338642, ClinGen allele CA342811350.